The following is an entry in ClinVar:

NM_003873.7(NRP1):c.1093A>G (p.Asn365Asp)

Gene: NRP1 (neuropilin 1; minus strand). Cytogenetic location: 10p11.22.
Variant type: single nucleotide variant.
Coding change: c.1093A>G on transcript NM_003873.7 (MANE Select); coding-DNA position 1093, A replaced by G.
Protein change: p.Asn365Asp; replaces asparagine 365 with aspartic acid.
Molecular consequence: missense variant. On other transcripts: non-coding transcript variant (1).
Genome position (GRCh38, 1-based): chr10:33,226,178, T>C on the plus strand (A>G on the coding strand, the complement: NRP1 is on the minus strand). VCF-style: chr10-33226178-T-C. GRCh37 (hg19) VCF-style: chr10-33515106-T-C.
Other names: c.1093A>G, p.Asn365Asp (NM_001024628.3, NM_001024629.3, NM_001244972.2 and 2 more transcripts); short protein forms N365D.
Identifiers: ClinVar variation 4982672 (VCV004982672.1).
Genomic context (GRCh38, chr10:33,226,178, plus strand): 5'-TGGCAGCCTAACTTACAACAGGTTTGTTTCCTTCTTTTATGGTGATCCAGTCTTCCCCGT[T>C]GGAGCTAACGTCGATCTTGTAAGTCTTGACATAATATTTCTTCTTGGTTTCTTTTGAAAT-3'
Protein context (NP_003864.5, residues 355-375): VKTYKIDVSS[Asn365Asp]GEDWITIKEG

ClinVar aggregate classification (germline): Uncertain significance (1 of 4 stars; one submission).

Conditions:
NRP1-related disorder. Also called: NRP1-related condition.

Submission:

PreventionGenetics, part of Exact Sciences
Classification: Uncertain significance for NRP1-related condition. Last evaluated: 2026-08-24. Review status: criteria provided, single submitter. Criteria: ACMG Guidelines, 2015. Collection method: clinical testing. Allele origin: germline.
Comment: The NRP1 c.1093A>G variant is predicted to result in the amino acid substitution p.Asn365Asp. To our knowledge, this variant has not been reported in the literature or in a large population database (gnomAD), indicating this variant is rare. At this time, the clinical significance of this variant is uncertain due to the absence of conclusive functional and genetic evidence.